The following is an entry in ClinVar:

NM_007294.4(BRCA1):c.1689G>T (p.Gln563His)

Gene: BRCA1 (BRCA1 DNA repair associated; minus strand). Cytogenetic location: 17q21.31.
Variant type: single nucleotide variant.
Coding change: c.1689G>T on transcript NM_007294.4 (MANE Select); coding-DNA position 1689, G replaced by T.
Protein change: p.Gln563His; replaces glutamine 563 with histidine.
Molecular consequence: missense variant. On other transcripts: intron variant (137).
Genome position (GRCh38, 1-based): chr17:43,093,842, C>A on the plus strand (G>T on the coding strand, the complement: BRCA1 is on the minus strand). VCF-style: chr17-43093842-C-A. GRCh37 (hg19) VCF-style: chr17-41245859-C-A.
Other names: c.577+902G>T (NM_001408489.1, NM_001408479.1, NM_001408481.1 and 9 more transcripts); c.1548G>T, p.Gln516His (NM_001407727.1, NM_001407728.1, NM_001407729.1 and 29 more transcripts); c.1476G>T, p.Gln492His (NM_001407571.1, NM_001407853.1, NM_001407894.1 and 9 more transcripts); c.1689G>T, p.Gln563His (NM_001407581.1, NM_001407582.1, NM_001407583.1 and 30 more transcripts); c.1686G>T, p.Gln562His (NM_001407587.1, NM_001407590.1, NM_001407591.1 and 22 more transcripts); c.1680G>T, p.Gln560His (NM_001407646.1, NM_001407647.1); c.1566G>T, p.Gln522His (NM_001407648.1, NM_001407665.1, NM_001407666.1 and 19 more transcripts); c.1563G>T, p.Gln521His (NM_001407649.1, NM_001407670.1, NM_001407671.1 and 11 more transcripts); and 40 more; short protein forms Q267H, Q395H, Q435H, Q436H, Q451H, Q452H, Q474H, Q475H.
Identifiers: ClinVar variation 4856541 (VCV004856541.1).

ClinVar aggregate classification (germline): Likely benign (1 of 4 stars; one submission).

Conditions:
Breast-ovarian cancer, familial, susceptibility to, 1 (BROVCA1). Also called: OVARIAN CANCER, SUSCEPTIBILITY TO; BRCA1 Hereditary Breast and Ovarian Cancer. Identifiers: Orphanet 145, MedGen C2676676, MONDO:0011450, OMIM 604370. Disease mechanism: loss of function.

gnomAD v4.1: 1 of 1,613,358 alleles (0.000062%); highest among the groups gnomAD compares: South Asian, 0.0011%; no homozygotes.

Submission:

Cancer Bioinformatics and Tumour Evolution Laboratory, Monash University
Classification: Likely benign for Breast-ovarian cancer, familial, susceptibility to, 1. Last evaluated: 2026-05-01. Review status: criteria provided, single submitter. Criteria: ClinGen BRCA1 and BRCA2 Guidelines, 2024. Collection method: curation. Allele origin: germline. Inheritance: Autosomal dominant inheritance.
Comment: Missense variant outside of a functional domain with no splice impact. BRCA1 and BRCA2 VCEP guidelines recommend application of BP1_Strong (PMID: 39142283)